The following is an entry in ClinVar:

NM_003849.4(SUCLG1):c.752G>A (p.Gly251Asp)

Gene: SUCLG1 (succinate-CoA ligase GDP/ADP-forming subunit alpha; minus strand). Cytogenetic location: 2p11.2.
Variant type: single nucleotide variant.
Coding change: c.752G>A on transcript NM_003849.4 (MANE Select); coding-DNA position 752, G replaced by A.
Protein change: p.Gly251Asp; replaces glycine 251 with aspartic acid.
Molecular consequence: missense variant.
Genome position (GRCh38, 1-based): chr2:84,431,581, C>T on the plus strand (G>A on the coding strand, the complement: SUCLG1 is on the minus strand). VCF-style: chr2-84431581-C-T. GRCh37 (hg19) VCF-style: chr2-84658705-C-T.
Other names: short protein forms G251D.
Identifiers: ClinVar variation 1416882 (VCV001416882.6), dbSNP rs140950916, ClinGen allele CA1736184.

ClinVar aggregate classification (germline): Uncertain significance (1 of 4 stars; one submission).

Conditions:
Mitochondrial DNA depletion syndrome 9 (MTDPS9). Also called: SUCLG1-Related Mitochondrial DNA Depletion Syndrome, Encephalomyopathic Form with Methylmalonic Aciduria. Identifiers: Orphanet 17, MedGen C3151476, MONDO:0009504, OMIM 245400.

Allele frequency attached by ClinVar (database versions not stated): gnomAD exomes below 0.00001 and 0.00001; gnomAD 0.00001; ExAC 0.00002; TOPMed 0.00002; ESP Exome Variant Server 0.00008.

Submission:

Labcorp Genetics (formerly Invitae), Labcorp
Classification: Uncertain significance for Mitochondrial DNA depletion syndrome 9. Last evaluated: 2022-02-08. Review status: criteria provided, single submitter. Criteria: Invitae Variant Classification Sherloc (09022015). Collection method: clinical testing. Allele origin: germline.
Comment: This sequence change replaces glycine, which is neutral and non-polar, with aspartic acid, which is acidic and polar, at codon 251 of the SUCLG1 protein (p.Gly251Asp). This variant is present in population databases (rs140950916, gnomAD 0.01%). This variant has not been reported in the literature in individuals affected with SUCLG1-related conditions. Algorithms developed to predict the effect of missense changes on protein structure and function (SIFT, PolyPhen-2, Align-GVGD) all suggest that this variant is likely to be disruptive. In summary, the available evidence is currently insufficient to determine the role of this variant in disease. Therefore, it has been classified as a Variant of Uncertain Significance.